The following is an entry in ClinVar:

NM_006904.7(PRKDC):c.8609G>T (p.Ser2870Ile)

Genes: PRKDC (protein kinase, DNA-activated, catalytic subunit; minus strand), LOC121740717 (Sharpr-MPRA regulatory region 7649; plus strand). Cytogenetic location: 8q11.21.
Variant type: single nucleotide variant.
Coding change: c.8609G>T on transcript NM_006904.7 (MANE Select); coding-DNA position 8609, G replaced by T.
Protein change: p.Ser2870Ile; replaces serine 2870 with isoleucine.
Molecular consequence: missense variant.
Genome position (GRCh38, 1-based): chr8:47,826,830, C>A on the plus strand (G>T on the coding strand, the complement: PRKDC is on the minus strand). VCF-style: chr8-47826830-C-A. GRCh37 (hg19) VCF-style: chr8-48739391-C-A.
Other names: c.8609G>T, p.Ser2870Ile (NM_001081640.2); short protein forms S2870I.
Identifiers: ClinVar variation 4744113 (VCV004744113.1).

ClinVar aggregate classification (germline): Uncertain significance (1 of 4 stars; one submission).

Conditions:
Severe combined immunodeficiency due to DNA-PKcs deficiency. Also called: IMMUNODEFICIENCY 26 WITH NEUROLOGIC ABNORMALITIES; Immunodeficiency 26 with or without neurologic abnormalities. Identifiers: Orphanet 317425, MedGen C4014833, MONDO:0014423, OMIM 615966.

gnomAD v4.1: 1 of 1,596,224 alleles (0.000063%); highest among the groups gnomAD compares: Non-Finnish European, 0.000085%; no homozygotes.

Submission:

Labcorp Genetics (formerly Invitae), Labcorp
Classification: Uncertain significance for Severe combined immunodeficiency due to DNA-PKcs deficiency. Last evaluated: 2025-12-02. Review status: criteria provided, single submitter. Criteria: Invitae Variant Classification Sherloc (09022015). Collection method: clinical testing. Allele origin: germline.
Comment: This sequence change replaces serine, which is neutral and polar, with isoleucine, which is neutral and non-polar, at codon 2870 of the PRKDC protein (p.Ser2870Ile). This variant is not present in population databases (gnomAD no frequency). This variant has not been reported in the literature in individuals affected with PRKDC-related conditions. Invitae Evidence Modeling of protein sequence and biophysical properties (such as structural, functional, and spatial information, amino acid conservation, physicochemical variation, residue mobility, and thermodynamic stability) indicates that this missense variant is not expected to disrupt PRKDC protein function with a negative predictive value of 80%. In summary, the available evidence is currently insufficient to determine the role of this variant in disease. Therefore, it has been classified as a Variant of Uncertain Significance.